The following is an entry in ClinVar:

ClinVar aggregate classification (germline): Uncertain significance (1 of 4 stars; one submission).

Conditions:
Familial adenomatous polyposis 1 (FAP1). Also called: FAMILIAL ADENOMATOUS POLYPOSIS 1, ATTENUATED; POLYPOSIS, ADENOMATOUS INTESTINAL. Identifiers: MedGen C2713442, MONDO:0021056, OMIM 175100. Disease mechanism: loss of function.

Allele frequency attached by ClinVar (database versions not stated): gnomAD exomes below 0.00001.
gnomAD v4.1: 1 of 1,609,664 alleles (0.000062%); highest among the groups gnomAD compares: Non-Finnish European, 0.000085%; no homozygotes.

Submission:

Labcorp Genetics (formerly Invitae), Labcorp
Classification: Uncertain significance for Familial adenomatous polyposis 1. Last evaluated: 2020-11-12. Review status: criteria provided, single submitter. Criteria: Invitae Variant Classification Sherloc (09022015). Collection method: clinical testing. Allele origin: germline.
Comment: This variant is not present in population databases (ExAC no frequency). This sequence change replaces leucine with serine at codon 180 of the APC protein (p.Leu180Ser). The leucine residue is highly conserved and there is a large physicochemical difference between leucine and serine. This variant has not been reported in the literature in individuals with APC-related conditions. In summary, the available evidence is currently insufficient to determine the role of this variant in disease. Therefore, it has been classified as a Variant of Uncertain Significance. Algorithms developed to predict the effect of missense changes on protein structure and function are either unavailable or do not agree on the potential impact of this missense change (SIFT: "Deleterious"; PolyPhen-2: "Probably Damaging"; Align-GVGD: "Class C0").

NM_000038.6(APC):c.539T>C (p.Leu180Ser)

Gene: APC (APC regulator of Wnt signaling pathway; plus strand). Cytogenetic location: 5q22.2.
Variant type: single nucleotide variant.
Coding change: c.539T>C on transcript NM_000038.6 (MANE Select); coding-DNA position 539, T replaced by C.
Protein change: p.Leu180Ser; replaces leucine 180 with serine.
Molecular consequence: missense variant. On other transcripts: 5 prime UTR variant (1).
Genome position (GRCh38, 1-based): chr5:112,780,797, T>C. VCF-style: chr5-112780797-T-C. GRCh37 (hg19) VCF-style: chr5-112116494-T-C.
Other names: c.539T>C, p.Leu180Ser (NM_001127510.3, NM_001354895.2, NM_001354896.2 and 2 more transcripts); c.569T>C, p.Leu190Ser (NM_001127511.3, NM_001354897.2, NM_001354902.2); c.464T>C, p.Leu155Ser (NM_001354898.2, NM_001354904.2); c.362T>C, p.Leu121Ser (NM_001354900.2, NM_001354901.2, NM_001354905.2); c.-497T>C (NM_001354906.2); short protein forms L121S, L180S, L190S, L155S.
Identifiers: ClinVar variation 1346590 (VCV001346590.8), dbSNP rs1554072560, ClinGen allele CA16022508.
Genomic context (GRCh38, chr5:112,780,797, plus strand): 5'-CTGATTAACGTAAATACAAGATATTGATACTTTTTTATTATTTGTGGTTTTAGTTTTCCT[T>C]ACAAACAGATATGACCAGAAGGCAATTGGAATATGAAGCAAGGCAAATCAGAGTTGCGAT-3'
Protein context (NP_000029.2, residues 170-190): DSLPLTENFS[Leu180Ser]QTDMTRRQLE